The following is an entry in ClinVar:

ClinVar aggregate classification (germline): Benign. Review status: criteria provided, multiple submitters, no conflicts (2 of 4 stars). 10 submissions from 10 submitters: Benign (7). 3 of the submissions do not count toward it. Last evaluated 2025-03-27.

Conditions:
Polycystic kidney disease, adult type (PKD1). Also called: POLYCYSTIC KIDNEY DISEASE, ADULT, TYPE I; Polycystic Kidney Disease 1, Autosomal Dominant; Polycystic kidney disease 1; Polycystic kidney disease 1, severe; POLYCYSTIC KIDNEY DISEASE 1 WITH OR WITHOUT POLYCYSTIC LIVER DISEASE; Polycystic Kidney, Autosomal Dominant. Identifiers: MedGen C3149841, MONDO:0008263, OMIM 173900.
Polycystic kidney disease. Also called: Kidney, Polycystic; Polycystic kidney dysplasia. Identifiers: MedGen C0022680, MeSH D007690, MONDO:0020642, HP:0000113.

Allele frequency attached by ClinVar (database versions not stated): ExAC 0.00693; gnomAD 0.02662 and 0.02846; TOPMed 0.02809; 1000 Genomes Project 0.03474; 1000 Genomes Project 30x 0.03670.
gnomAD v4.1: 6,582 of 979,188 alleles (0.67%); highest among the groups gnomAD compares: African/African-American, 9.2%; 311 homozygotes.

Submissions (10):

Women's Health and Genetics/Laboratory Corporation of America, LabCorp
Classification: Benign. Last evaluated: 2025-03-27. Review status: criteria provided, single submitter. Criteria: LabCorp Variant Classification Summary - May 2015. Collection method: clinical testing. Allele origin: germline.

Mayo Clinic Laboratories, Mayo Clinic
Classification: Benign. Last evaluated: 2022-11-18. Review status: criteria provided, single submitter. Criteria: ACMG Guidelines, 2015. Collection method: clinical testing. Allele origin: germline. Observed: 32 variant alleles.

ARUP Laboratories, Molecular Genetics and Genomics, ARUP Laboratories
Classification: Benign for Polycystic kidney disease, adult type. Last evaluated: 2020-06-02. Review status: criteria provided, single submitter. Criteria: ARUP Molecular Germline Variant Investigation Process. Collection method: clinical testing. Allele origin: germline.

GeneDx
Classification: Benign. Last evaluated: 2019-09-26. Review status: criteria provided, single submitter. Criteria: GeneDx Variant Classification Process June 2021. Collection method: clinical testing. Allele origin: germline. Affected: yes.
Comment: This variant is associated with the following publications: (PMID: 17574468, 22008521)

Athena Diagnostics
Classification: Benign. Last evaluated: 2017-10-11. Review status: criteria provided, single submitter. Criteria: Athena Diagnostics Criteria. Collection method: clinical testing. Allele origin: germline.

PreventionGenetics, part of Exact Sciences
Classification: Benign. Last evaluated: 2016-01-29. Review status: criteria provided, single submitter. Criteria: ACMG Guidelines, 2015. Collection method: clinical testing. Allele origin: germline.

Breakthrough Genomics
Classification: Benign. Review status: criteria provided, single submitter. Criteria: ACMG Guidelines, 2015. Collection method: not provided. Allele origin: germline. Inheritance: Autosomal dominant inheritance. Affected: yes.

Department of Pathology and Laboratory Medicine, Sinai Health System
Classification: Benign for Polycystic Kidney disease. Review status: no assertion criteria provided. Collection method: clinical testing. Allele origin: unknown. Affected: yes. Observed: 1 variant allele. Study: The Canadian Open Genetics Repository (COGR). Not counted in ClinVar's aggregate classification.
Comment: The PKD1 p.Pro738Pro variant was identified in 1 of 74 proband chromosomes (frequency: 0.014) from unrelated individuals or families with ADPKD, and was not identified in 100 control chromosomes from healthy individuals (Bataille 2011). The variant is listed in the dbSNP database (ID#: rs543166733), however no frequency information was provided. This variant is also listed in the 1000 Genomes Project in 174 of 5014 chromosomes (frequency: 0.035). The variant was identified in the Exome Aggregation Consortium database (March 14 2106) in 49 of 7068 chromosomes (freq. 0.007) in the following populations: African in 46 (1 homozygous) of 494 chromosomes (freq. 0.09), Latino in 2 of 142 chromosomes (freq. 0.01), other in 1 of 88 chromosomes (freq. 0.01), but was not seen in East Asian, Finish, European (Non-Finnish) and South Asian populations, increasing the likelihood this could be a low frequency benign variant. We cannot be certain that variant data from control databases is specific to PKD1 and not from one of the six PKD1 pseudogenes. The variant is identified In GeneInsight COGR 1x as benign and by the ADPKD Mutation Database 4x as likely neutral. The p.Pro738Pro variant is not expected to have clinical significance because it does not result in a change of amino acid and is not located in a known consensus splice site. In addition, in silico or computational prediction software programs (SpliceSiteFinder, MaxEntScan, NNSPLICE, GeneSplicer, HumanSpliceFinder) do not predict a difference in splicing. In summary, based on the above information, the clinical significance of this variant cannot be determined with certainty at this time although we would lean towards a more benign role for this variant. This variant is classified as benign.

Joint Genome Diagnostic Labs from Nijmegen and Maastricht, Radboudumc and MUMC+
Classification: Benign. Review status: no assertion criteria provided. Collection method: clinical testing. Allele origin: germline. Affected: yes. Study: VKGL Data-share Consensus. Not counted in ClinVar's aggregate classification.

Laboratory of Diagnostic Genome Analysis, Leiden University Medical Center (LUMC)
Classification: Benign. Review status: no assertion criteria provided. Collection method: clinical testing. Allele origin: germline. Affected: yes. Study: VKGL Data-share Consensus. Not counted in ClinVar's aggregate classification.

Literature cited by the submitters: PubMed 17574468 (cited by Athena Diagnostics).

NM_001009944.3(PKD1):c.2214C>G (p.Pro738=)

Gene: PKD1 (polycystin 1, transient receptor potential channel interacting; minus strand). Cytogenetic location: 16p13.3.
Variant type: single nucleotide variant.
Coding change: c.2214C>G on transcript NM_001009944.3 (MANE Select); coding-DNA position 2214, C replaced by G.
Protein change: p.Pro738=; no amino-acid change (proline 738 retained).
Molecular consequence: synonymous variant.
Genome position (GRCh38, 1-based): chr16:2,114,809, G>C on the plus strand (C>G on the coding strand, the complement: PKD1 is on the minus strand). VCF-style: chr16-2114809-G-C. GRCh37 (hg19) VCF-style: chr16-2164810-G-C.
Other names: p.Pro738=; c.2214C>G, p.Pro738= (NM_000296.4).
Identifiers: ClinVar variation 256931 (VCV000256931.19), dbSNP rs543166733, ClinGen allele CA7833259.